The following is an entry in ClinVar:

NM_000551.4(VHL):c.503G>C (p.Ser168Thr)

Genes: VHL (von Hippel-Lindau tumor suppressor; plus strand), LOC107303340 (3p25 von Hippel-Lindau tumor suppressor, E3 ubiquitin protein ligase Alu-mediated recombination region; plus strand). Cytogenetic location: 3p25.3.
Variant type: single nucleotide variant.
Coding change: c.503G>C on transcript NM_000551.4 (MANE Select); coding-DNA position 503, G replaced by C.
Protein change: p.Ser168Thr; replaces serine 168 with threonine.
Molecular consequence: missense variant. On other transcripts: 3 prime UTR variant (1), non-coding transcript variant (1).
Genome position (GRCh38, 1-based): chr3:10,149,826, G>C. VCF-style: chr3-10149826-G-C. GRCh37 (hg19) VCF-style: chr3-10191510-G-C.
Other names: c.*57G>C (NM_001354723.2); c.380G>C, p.Ser127Thr (NM_198156.3); short protein forms S127T, S168T.
Identifiers: ClinVar variation 3759081 (VCV003759081.2).

ClinVar aggregate classification (germline): Uncertain significance (1 of 4 stars; one submission).

Conditions:
Chuvash polycythemia. Also called: POLYCYTHEMIA, VHL-DEPENDENT. Identifiers: Orphanet 238557, MedGen C1837915, MONDO:0009892, OMIM 263400.
Von Hippel-Lindau syndrome (VHLS). Also called: von Hippel–Lindau syndrome; VHL syndrome; Von Hippel-Lindau. Identifiers: Orphanet 892, MedGen C0019562, MONDO:0008667, OMIM 193300. Disease mechanism: loss of function.

Submission:

Labcorp Genetics (formerly Invitae), Labcorp
Classification: Uncertain significance for Von Hippel-Lindau syndrome; Chuvash polycythemia. Last evaluated: 2024-08-27. Review status: criteria provided, single submitter. Criteria: Invitae Variant Classification Sherloc (09022015). Collection method: clinical testing. Allele origin: germline.
Comment: This sequence change replaces serine, which is neutral and polar, with threonine, which is neutral and polar, at codon 168 of the VHL protein (p.Ser168Thr). This variant is not present in population databases (gnomAD no frequency). This missense change has been observed in individual(s) with hemangioblastoma (PMID: 19133167). Invitae Evidence Modeling of protein sequence and biophysical properties (such as structural, functional, and spatial information, amino acid conservation, physicochemical variation, residue mobility, and thermodynamic stability) indicates that this missense variant is expected to disrupt VHL protein function with a positive predictive value of 95%. In summary, the available evidence is currently insufficient to determine the role of this variant in disease. Therefore, it has been classified as a Variant of Uncertain Significance.

Literature cited by the submitters: PubMed 19133167.